The following is an entry in ClinVar:

ClinVar aggregate classification (germline): Pathogenic. Review status: criteria provided, multiple submitters, no conflicts (2 of 4 stars). 3 submissions from 3 submitters: Pathogenic (2). 1 of the submissions does not count toward it. Last evaluated 2024-03-28.

Conditions:
Hereditary cancer-predisposing syndrome. Also called: Neoplastic Syndromes, Hereditary; Hereditary neoplastic syndrome; Tumor predisposition; Hereditary Cancer Syndrome. Identifiers: Orphanet 140162, MedGen C0027672, MeSH D009386, MONDO:0015356.
Malignant tumor of urinary bladder. Also called: Bladder cancer; Urinary bladder cancer; Urinary Bladder Neoplasms. Identifiers: MedGen C0005684, MONDO:0001187, OMIM 109800.
Ataxia-telangiectasia syndrome (AT). Also called: Ataxia telangiectasia (A-T); Cerebello-oculocutaneous telangiectasia; Immunodeficiency with ataxia telangiectasia; LOUIS-BAR SYNDROME; AT, COMPLEMENTATION GROUP C; ATAXIA-TELANGIECTASIA, FRESNO VARIANT. Identifiers: Orphanet 100, MedGen C0004135, MONDO:0008840, OMIM 208900.

Submissions (3):

Labcorp Genetics (formerly Invitae), Labcorp
Classification: Pathogenic for Ataxia-telangiectasia syndrome. Last evaluated: 2024-03-28. Review status: criteria provided, single submitter. Criteria: Invitae Variant Classification Sherloc (09022015). Collection method: clinical testing. Allele origin: germline.
Comment: This sequence change creates a premature translational stop signal (p.Gln2740*) in the ATM gene. It is expected to result in an absent or disrupted protein product. Loss-of-function variants in ATM are known to be pathogenic (PMID: 23807571, 25614872). This variant is not present in population databases (gnomAD no frequency). This variant has not been reported in the literature in individuals affected with ATM-related conditions. ClinVar contains an entry for this variant (Variation ID: 233930). Algorithms developed to predict the effect of sequence changes on RNA splicing suggest that this variant may disrupt the consensus splice site. For these reasons, this variant has been classified as Pathogenic.

Ambry Genetics
Classification: Pathogenic for Hereditary cancer-predisposing syndrome. Last evaluated: 2015-09-14. Review status: criteria provided, single submitter. Criteria: Ambry Variant Classification Scheme 2023. Collection method: clinical testing. Allele origin: germline.
Comment: The p.Q2740* pathogenic mutation (also known as c.8218C>T), located in coding exon 55 of the ATM gene, results from a C to T substitution at nucleotide position 8218. This changes the amino acid from a glutamine to a stop codon within coding exon 55. Since premature stop codons are typically deleterious in nature, this alteration is interpreted as a disease-causing mutation (ACMG Recommendations for Standards for Interpretation and Reporting of Sequence Variations. Revision 2007. Genet Med. 2008;10:294).

Laboratory of Urology, Hospital Clinic de Barcelona
Classification: Pathogenic for Malignant tumor of urinary bladder. Review status: no assertion criteria provided. Collection method: research. Allele origin: somatic. Affected: yes. Not counted in ClinVar's aggregate classification.

Literature cited by the submitters: PubMed 23807571 (cited by Labcorp Genetics (formerly Invitae), Labcorp); PubMed 25614872 (cited by Labcorp Genetics (formerly Invitae), Labcorp).

NM_000051.4(ATM):c.8218C>T (p.Gln2740Ter)

Genes: ATM (ATM serine/threonine kinase; plus strand), C11orf65 (chromosome 11 open reading frame 65; minus strand). Cytogenetic location: 11q22.3.
Variant type: single nucleotide variant.
Coding change: c.8218C>T on transcript NM_000051.4 (MANE Select); coding-DNA position 8218, C replaced by T.
Protein change: p.Gln2740Ter; replaces glutamine 2740 with a stop codon.
Molecular consequence: nonsense. On other transcripts: intron variant (2).
Genome position (GRCh38, 1-based): chr11:108,335,911, C>T. VCF-style: chr11-108335911-C-T. GRCh37 (hg19) VCF-style: chr11-108206638-C-T.
Other names: c.8218C>T, p.Gln2740Ter (NM_001351834.2); c.641-26840G>A (NM_001330368.2); c.695-619G>A (NM_001351110.2); short protein forms Q2740*.
Identifiers: ClinVar variation 233930 (VCV000233930.11), dbSNP rs866402530, ClinGen allele CA10579289.
Genomic context (GRCh38, chr11:108,335,911, plus strand): 5'-GATGACCTGAGACAAGATGCTGTCATGCAACAGGTCTTCCAGATGTGTAATACATTACTG[C>T]AGAGAAACACGGAAACTAGGAAGAGGAAATTAACTATCTGTACTTATAAGGTAACTATTT-3'